The following is an entry in ClinVar:

NM_004092.4(ECHS1):c.414+314G>T

Gene: ECHS1 (enoyl-CoA hydratase, short chain 1; minus strand). Cytogenetic location: 10q26.3.
Variant type: single nucleotide variant.
Coding change: c.414+314G>T on transcript NM_004092.4 (MANE Select); 314 bases into the intron after coding-DNA position 414, G replaced by T.
Molecular consequence: intron variant.
Genome position (GRCh38, 1-based): chr10:133,369,590, C>A on the plus strand (G>T on the coding strand, the complement: ECHS1 is on the minus strand). VCF-style: chr10-133369590-C-A. GRCh37 (hg19) VCF-style: chr10-135183094-C-A.
Identifiers: ClinVar variation 683763 (VCV000683763.1), dbSNP rs10776675, ClinGen allele CA13234406.

ClinVar aggregate classification (germline): Benign (1 of 4 stars; one submission).

Allele frequency attached by ClinVar (database versions not stated): 1000 Genomes Project 30x 0.80481; TOPMed 0.81121; 1000 Genomes Project 0.82268; gnomAD 0.85332 and 0.86176.
gnomAD v4.1: 118,710 of 137,568 alleles (86%); highest among the groups gnomAD compares: Non-Finnish European, 99%; 54,739 homozygotes.

Submission:

GeneDx
Classification: Benign. Last evaluated: 2018-06-14. Review status: criteria provided, single submitter. Criteria: GeneDx Variant Classification (06012015). Collection method: clinical testing. Allele origin: germline. Affected: yes.
Comment: This variant is considered likely benign or benign based on one or more of the following criteria: it is a conservative change, it occurs at a poorly conserved position in the protein, it is predicted to be benign by multiple in silico algorithms, and/or has population frequency not consistent with disease.